The following is an entry in ClinVar:

NM_002609.4(PDGFRB):c.1972C>T (p.Leu658Phe)

Gene: PDGFRB (platelet derived growth factor receptor beta; minus strand). Cytogenetic location: 5q32.
Variant type: single nucleotide variant.
Coding change: c.1972C>T on transcript NM_002609.4 (MANE Select); coding-DNA position 1972, C replaced by T.
Protein change: p.Leu658Phe; replaces leucine 658 with phenylalanine.
Molecular consequence: missense variant.
Genome position (GRCh38, 1-based): chr5:150,124,301, G>A on the plus strand (C>T on the coding strand, the complement: PDGFRB is on the minus strand). VCF-style: chr5-150124301-G-A. GRCh37 (hg19) VCF-style: chr5-149503864-G-A.
Other names: c.1780C>T, p.Leu594Phe (NM_001355016.2); c.1489C>T, p.Leu497Phe (NM_001355017.2); short protein forms L497F, L594F, L658F.
Identifiers: ClinVar variation 3898983 (VCV003898983.1).

ClinVar aggregate classification (germline): Uncertain significance (1 of 4 stars; one submission).

gnomAD v4.1: 2 of 1,614,158 alleles (0.00012%); highest among the groups gnomAD compares: Non-Finnish European, 0.00017%; no homozygotes.

Submission:

GeneDx
Classification: Uncertain significance. Last evaluated: 2024-11-06. Review status: criteria provided, single submitter. Criteria: GeneDx Variant Classification Process June 2021. Collection method: clinical testing. Allele origin: germline. Affected: yes.
Comment: Has not been previously published as pathogenic or benign to our knowledge; Not observed at significant frequency in large population cohorts (gnomAD); In silico analysis supports that this missense variant has a deleterious effect on protein structure/function